The following is an entry in ClinVar:

ClinVar aggregate classification (germline): Uncertain significance (1 of 4 stars; one submission).

Conditions:
O'Donnell-Luria-Rodan syndrome (ODLURO). Also called: KMT2E-Related Neurodevelopmental Disorder. Identifiers: MedGen C5193138, MONDO:0032793, OMIM 618512.

Submission:

Institute of Human Genetics, University of Leipzig Medical Center
Classification: Uncertain significance for O'Donnell-Luria-Rodan syndrome. Last evaluated: 2025-03-04. Review status: criteria provided, single submitter. Criteria: ACMG Guidelines, 2015. Collection method: clinical testing. Allele origin: unknown. Inheritance: Autosomal dominant inheritance. Affected: yes.
Comment: Criteria applied: PM2,PP2,PP3

NM_182931.3(KMT2E):c.1282C>T (p.Leu428Phe)

Gene: KMT2E (lysine methyltransferase 2E (inactive); plus strand). Cytogenetic location: 7q22.3.
Variant type: single nucleotide variant.
Coding change: c.1282C>T on transcript NM_182931.3 (MANE Select); coding-DNA position 1282, C replaced by T.
Protein change: p.Leu428Phe; replaces leucine 428 with phenylalanine.
Molecular consequence: missense variant.
Genome position (GRCh38, 1-based): chr7:105,081,721, C>T. VCF-style: chr7-105081721-C-T. GRCh37 (hg19) VCF-style: chr7-104722168-C-T.
Other names: c.1282C>T, p.Leu428Phe (NM_001410908.1, NM_018682.4); short protein forms L428F.
Identifiers: ClinVar variation 3773718 (VCV003773718.2).
Genomic context (GRCh38, chr7:105,081,721, plus strand): 5'-GTAATGTACAATTATTTTAACTTTTAGGTGAGGCATGAAATTCAAGATGGAACCATACAT[C>T]TTTATATTTATTCTATACACAGTATTCCAAAGGGAACTGAAATTACTATTGCCTTTGATT-3'
Protein context (NP_891847.1, residues 418-438): RHEIQDGTIH[Leu428Phe]YIYSIHSIPK